The following is an entry in ClinVar:

NM_016145.4(WDR83OS):c.174G>A (p.Trp58Ter)

Genes: WDR83 (WD repeat domain 83; plus strand), WDR83OS (WD repeat domain 83 opposite strand; minus strand). Cytogenetic location: 19p13.13.
Variant type: single nucleotide variant.
Coding change: c.174G>A on transcript NM_016145.4 (MANE Select); coding-DNA position 174, G replaced by A.
Protein change: p.Trp58Ter; replaces tryptophan 58 with a stop codon.
Molecular consequence: nonsense. On other transcripts: 5 prime UTR variant (1), non-coding transcript variant (1).
Genome position (GRCh38, 1-based): chr19:12,668,600, C>T on the plus strand (G>A on the coding strand, the complement: WDR83OS is on the minus strand). VCF-style: chr19-12668600-C-T. GRCh37 (hg19) VCF-style: chr19-12779414-C-T.
Other names: c.-64C>T (NM_001099737.3); short protein forms W58*.
Identifiers: ClinVar variation 4820647 (VCV004820647.1).

ClinVar aggregate classification (germline): Likely pathogenic (1 of 4 stars; one submission).

Conditions:
Neurodevelopmental disorder with variable familial hypercholanemia. Identifiers: MedGen C5975528, MONDO:0975877, OMIM 621016.

gnomAD v4.1: 1 of 1,614,044 alleles (0.000062%); highest among the groups gnomAD compares: African/African-American, 0.0013%; no homozygotes.

Submission:

Hacettepe Pediatric Genetics Laboratory, Hacettepe University
Classification: Likely pathogenic for Neurodevelopmental disorder with variable familial hypercholanemia. Last evaluated: 2026-04-09. Review status: criteria provided, single submitter. Criteria: ACMG Guidelines, 2015. Collection method: clinical testing. Allele origin: biparental. Inheritance: Autosomal recessive inheritance. Affected: yes. Observed: 1 variant allele, 1 homozygote.
Comment: The c.174G>A (p.Trp58*) variant in WDR83OS has never been documented in the literature or genetic databases. This variant meets our criteria to be classified as likely pathogenic. Null variant (nonsense) in gene WDR83OS, predicted to cause NMD. Loss-of-function is a known mechanism of disease (gene has 6 reported pathogenic LOF variants). The truncated region contains 2 pathogenic variants. (PVS1). Variant not found in gnomAD genomes, good gnomAD genomes coverage = 31.2 (PM2).